The following is an entry in ClinVar:

ClinVar aggregate classification (germline): Benign/Likely benign. Review status: criteria provided, multiple submitters, no conflicts (2 of 4 stars). 8 submissions from 8 submitters: Benign (2); Likely benign (5). 1 of the submissions does not count toward it. Last evaluated 2026-05-01.

Conditions:
ELP1-related disorder. Also called: ELP1-related condition.
Familial dysautonomia. Also called: FD; HSAN III. Identifiers: Orphanet 1764, MedGen C0013364, MONDO:0009131, OMIM 223900. Disease mechanism: loss of function.

Allele frequency attached by ClinVar (database versions not stated): gnomAD exomes 0.00027 and 0.00071; ExAC 0.00086; gnomAD 0.00263 and 0.00277; TOPMed 0.00318; ESP Exome Variant Server 0.00331; 1000 Genomes Project 0.00419; 1000 Genomes Project 30x 0.00453.

Submissions (8):

CeGaT Center for Human Genetics Tuebingen
Classification: Likely benign. Last evaluated: 2026-05-01. Review status: criteria provided, single submitter. Criteria: CeGaT Center For Human Genetics Tuebingen Variant Classification Criteria Version 2. Collection method: clinical testing. Allele origin: germline. Affected: yes. Observed: 1 variant allele.
Comment: ELP1: BP4

Labcorp Genetics (formerly Invitae), Labcorp
Classification: Benign. Last evaluated: 2026-01-31. Review status: criteria provided, single submitter. Criteria: Invitae Variant Classification Sherloc (09022015). Collection method: clinical testing. Allele origin: germline.

PreventionGenetics, part of Exact Sciences
Classification: Benign for ELP1-related condition. Last evaluated: 2025-07-15. Review status: criteria provided, single submitter. Criteria: ACMG Guidelines, 2015. Collection method: clinical testing. Allele origin: germline.
Comment: This variant is classified as benign based on ACMG/AMP sequence variant interpretation guidelines (Richards et al. 2015 PMID: 25741868, with internal and published modifications).

Blueprint Genetics
Classification: Likely benign. Last evaluated: 2024-09-16. Review status: criteria provided, single submitter. Criteria: ACMG Guidelines, 2015. Collection method: clinical testing. Allele origin: germline.

ARUP Laboratories, Molecular Genetics and Genomics, ARUP Laboratories
Classification: Likely benign for Familial dysautonomia. Last evaluated: 2020-12-02. Review status: criteria provided, single submitter. Criteria: ARUP Molecular Germline Variant Investigation Process 2021. Collection method: clinical testing. Allele origin: germline.

GeneDx
Classification: Likely benign. Last evaluated: 2019-09-23. Review status: criteria provided, single submitter. Criteria: GeneDx Variant Classification Process June 2021. Collection method: clinical testing. Allele origin: germline. Affected: yes.

Breakthrough Genomics
Classification: Likely benign. Review status: criteria provided, single submitter. Criteria: ACMG Guidelines, 2015. Collection method: not provided. Allele origin: germline. Inheritance: Autosomal recessive inheritance. Affected: yes.

Natera, Inc.
Classification: Benign for Hereditary sensory and autonomic neuropathy type III. Last evaluated: 2019-12-17. Review status: no assertion criteria provided. Collection method: clinical testing. Allele origin: germline. Not counted in ClinVar's aggregate classification.

NM_003640.5(ELP1):c.286A>G (p.Ser96Gly)

Gene: ELP1 (elongator acetyltransferase complex subunit 1; minus strand). Cytogenetic location: 9q31.3.
Variant type: single nucleotide variant.
Coding change: c.286A>G on transcript NM_003640.5 (MANE Select); coding-DNA position 286, A replaced by G.
Protein change: p.Ser96Gly; replaces serine 96 with glycine.
Molecular consequence: missense variant. On other transcripts: 5 prime UTR variant (2).
Genome position (GRCh38, 1-based): chr9:108,929,786, T>C on the plus strand (A>G on the coding strand, the complement: ELP1 is on the minus strand). VCF-style: chr9-108929786-T-C. GRCh37 (hg19) VCF-style: chr9-111692066-T-C.
Other names: c.-57A>G (NM_001318360.2); c.-574A>G (NM_001330749.2); c.286A>G (LRG_251t1, NM_003640.4); short protein forms S96G.
Identifiers: ClinVar variation 380993 (VCV000380993.65), dbSNP rs35942802, ClinGen allele CA5175421.